The following is an entry in ClinVar:

ClinVar aggregate classification (germline): Likely benign (1 of 4 stars; one submission).

Conditions:
HRCT1-related condition.

Submission:

PreventionGenetics, part of Exact Sciences
Classification: Likely benign for HRCT1-related condition. Last evaluated: 2026-06-03. Review status: criteria provided, single submitter. Criteria: ACMG Guidelines, 2015. Collection method: clinical testing. Allele origin: germline.
Comment: This variant is classified as likely benign based on ACMG/AMP sequence variant interpretation guidelines (Richards et al. 2015 PMID: 25741868, with internal and published modifications).

NM_001039792.2(HRCT1):c.-34G>A

Gene: HRCT1 (histidine rich carboxyl terminus 1; plus strand). Cytogenetic location: 9p13.3.
Variant type: single nucleotide variant.
Coding change: c.-34G>A on transcript NM_001039792.2 (MANE Select); 34 bases upstream of the start codon, G replaced by A.
Molecular consequence: 5 prime UTR variant.
Genome position (GRCh38, 1-based): chr9:35,906,254, G>A. VCF-style: chr9-35906254-G-A. GRCh37 (hg19) VCF-style: chr9-35906251-G-A.
Identifiers: ClinVar variation 4980929 (VCV004980929.1).